The following is an entry in ClinVar:

NM_006904.7(PRKDC):c.2347C>A (p.His783Asn)

Gene: PRKDC (protein kinase, DNA-activated, catalytic subunit; minus strand). Cytogenetic location: 8q11.21.
Variant type: single nucleotide variant.
Coding change: c.2347C>A on transcript NM_006904.7 (MANE Select); coding-DNA position 2347, C replaced by A.
Protein change: p.His783Asn; replaces histidine 783 with asparagine.
Molecular consequence: missense variant.
Genome position (GRCh38, 1-based): chr8:47,927,266, G>T on the plus strand (C>A on the coding strand, the complement: PRKDC is on the minus strand). VCF-style: chr8-47927266-G-T. GRCh37 (hg19) VCF-style: chr8-48839826-G-T.
Other names: c.2347C>A, p.His783Asn (NM_001081640.2); short protein forms H783N.
Identifiers: ClinVar variation 1789935 (VCV001789935.2), dbSNP rs2551878135, ClinGen allele CA371161796.
Genomic context (GRCh38, chr8:47,927,266, plus strand): 5'-AAGTCTTCAGGTATCCATCCAGGCAGGGGAGAATGTCTTTGTAATAAGGCTGCATTACAT[G>T]TCTGTCAATATAAATTGACCATTCTTCTAGAGCATTCAGGCCTACTTCTGCCAAGGGGGT-3'
Protein context (NP_008835.5, residues 773-793): LEEWSIYIDR[His783Asn]VMQPYYKDIL

ClinVar aggregate classification (germline): Uncertain significance (1 of 4 stars; one submission).

Submission:

Ambry Genetics
Classification: Uncertain significance. Last evaluated: 2022-01-28. Review status: criteria provided, single submitter. Criteria: Ambry Variant Classification Scheme 2023. Collection method: clinical testing. Allele origin: germline.
Comment: The p.H783N variant (also known as c.2347C>A), located in coding exon 21 of the PRKDC gene, results from a C to A substitution at nucleotide position 2347. The histidine at codon 783 is replaced by asparagine, an amino acid with similar properties. This amino acid position is conserved. In addition, this alteration is predicted to be tolerated by in silico analysis. Since supporting evidence is limited at this time, the clinical significance of this alteration remains unclear.